The following is an entry in ClinVar:

NM_004588.5(SCN2B):c.448+148C>T

Gene: SCN2B (sodium voltage-gated channel beta subunit 2; minus strand). Cytogenetic location: 11q23.3.
Variant type: single nucleotide variant.
Coding change: c.448+148C>T on transcript NM_004588.5 (MANE Select); 148 bases into the intron after coding-DNA position 448, C replaced by T.
Molecular consequence: intron variant.
Genome position (GRCh38, 1-based): chr11:118,167,937, G>A on the plus strand (C>T on the coding strand, the complement: SCN2B is on the minus strand). VCF-style: chr11-118167937-G-A. GRCh37 (hg19) VCF-style: chr11-118038652-G-A.
Identifiers: ClinVar variation 674852 (VCV000674852.1), dbSNP rs648449, ClinGen allele CA229506723.

ClinVar aggregate classification (germline): Benign (1 of 4 stars; one submission).

Allele frequency attached by ClinVar (database versions not stated): gnomAD exomes 0.03193; gnomAD 0.13943 and 0.14699; TOPMed 0.15257; 1000 Genomes Project 0.16653.
gnomAD v4.1: 39,390 of 712,558 alleles (5.5%); highest among the groups gnomAD compares: African/African-American, 45%; 6,151 homozygotes.

Submission:

GeneDx
Classification: Benign. Last evaluated: 2018-06-14. Review status: criteria provided, single submitter. Criteria: GeneDx Variant Classification (06012015). Collection method: clinical testing. Allele origin: germline. Affected: yes.
Comment: This variant is considered likely benign or benign based on one or more of the following criteria: it is a conservative change, it occurs at a poorly conserved position in the protein, it is predicted to be benign by multiple in silico algorithms, and/or has population frequency not consistent with disease.